The following is an entry in ClinVar:

ClinVar aggregate classification (germline): Uncertain significance (1 of 4 stars; one submission).

Conditions:
RASopathy. Also called: rasopathies; Noonan spectrum disorder. Identifiers: Orphanet 536391, MedGen C5555857, MONDO:0021060.

Submission:

Labcorp Genetics (formerly Invitae), Labcorp
Classification: Uncertain significance for RASopathy. Last evaluated: 2023-09-25. Review status: criteria provided, single submitter. Criteria: Invitae Variant Classification Sherloc (09022015). Collection method: clinical testing. Allele origin: germline.
Comment: Advanced modeling of protein sequence and biophysical properties (such as structural, functional, and spatial information, amino acid conservation, physicochemical variation, residue mobility, and thermodynamic stability) performed at Invitae indicates that this missense variant is not expected to disrupt MAP2K1 protein function. This sequence change replaces isoleucine, which is neutral and non-polar, with threonine, which is neutral and polar, at codon 216 of the MAP2K1 protein (p.Ile216Thr). This variant is not present in population databases (gnomAD no frequency). This variant has not been reported in the literature in individuals affected with MAP2K1-related conditions. In summary, the available evidence is currently insufficient to determine the role of this variant in disease. Therefore, it has been classified as a Variant of Uncertain Significance.

NM_002755.4(MAP2K1):c.647T>C (p.Ile216Thr)

Gene: MAP2K1 (mitogen-activated protein kinase kinase 1; plus strand). Cytogenetic location: 15q22.31.
Variant type: single nucleotide variant.
Coding change: c.647T>C on transcript NM_002755.4 (MANE Select); coding-DNA position 647, T replaced by C.
Protein change: p.Ile216Thr; replaces isoleucine 216 with threonine.
Molecular consequence: missense variant.
Genome position (GRCh38, 1-based): chr15:66,481,833, T>C. VCF-style: chr15-66481833-T-C. GRCh37 (hg19) VCF-style: chr15-66774171-T-C.
Other names: c.503T>C, p.Ile168Thr (NM_001411065.1); short protein forms I216T, I168T.
Identifiers: ClinVar variation 2901688 (VCV002901688.3), dbSNP rs2140667953, ClinGen allele CA392936380.